The following is an entry in ClinVar:

ClinVar aggregate classification (germline): Pathogenic/Likely pathogenic. Review status: criteria provided, multiple submitters, no conflicts (2 of 4 stars). 4 submissions from 4 submitters: Pathogenic (2); Likely pathogenic (1). 1 of the submissions does not count toward it. Last evaluated 2025-10-01.

Conditions:
Congenital stationary night blindness. Also called: Early-onset non-progressive night blindness. Identifiers: Orphanet 215, MedGen C0339535, MONDO:0016293, HP:0007642.
TRPM1-related disorder. Also called: TRPM1-related condition.

Submissions (4):

GeneDx
Classification: Pathogenic. Last evaluated: 2025-10-01. Review status: criteria provided, single submitter. Criteria: GeneDx Variant Classification Process June 2021. Collection method: clinical testing. Allele origin: germline. Affected: yes.
Comment: Reported as c.669+3_669+6delAAGT and observed with a second TRPM1 variant on the opposite allele (in trans) in siblings with high myopia and congenital stationary night blindness in published literature (PMID: 27803854); Canonical splice site variant predicted to result in a null allele in a gene for which loss of function is a known mechanism of disease; Not observed at significant frequency in large population cohorts (gnomAD); This variant is associated with the following publications: (PMID: 38219857, 28041643, 32581362, 27803854)

Labcorp Genetics (formerly Invitae), Labcorp
Classification: Pathogenic. Last evaluated: 2025-05-14. Review status: criteria provided, single submitter. Criteria: Invitae Variant Classification Sherloc (09022015). Collection method: clinical testing. Allele origin: germline.
Comment: This sequence change falls in intron 5 of the TRPM1 gene. It does not directly change the encoded amino acid sequence of the TRPM1 protein. It affects a nucleotide within the consensus splice site. This variant is present in population databases (rs781610444, gnomAD 0.01%). This variant has been observed in individuals with congenital stationary night blindness (PMID: 27803854, 28041643). It has also been observed to segregate with disease in related individuals. This variant is also known as c.669+3_669+6delAAGT. ClinVar contains an entry for this variant (Variation ID: 438221). Variants that disrupt the consensus splice site are a relatively common cause of aberrant splicing (PMID: 17576681, 9536098). Algorithms developed to predict the effect of sequence changes on RNA splicing suggest that this variant may disrupt the consensus splice site. For these reasons, this variant has been classified as Pathogenic.

Blueprint Genetics
Classification: Likely pathogenic for TRPM1-related disorders. Last evaluated: 2024-11-21. Review status: criteria provided, single submitter. Criteria: ACMG Guidelines, 2015. Collection method: clinical testing. Allele origin: germline. Affected: yes. Observed: 4 variant alleles.

NIHR Bioresource Rare Diseases, University of Cambridge
Classification: Likely pathogenic for Congenital stationary night blindness. Last evaluated: 2015-01-01. Review status: no assertion criteria provided. Collection method: research. Allele origin: unknown. Affected: yes. Observed: 1 variant allele. Not counted in ClinVar's aggregate classification.

Literature cited by the submitters: PubMed 27803854 (cited by Labcorp Genetics (formerly Invitae), Labcorp); PubMed 28041643 (cited by Labcorp Genetics (formerly Invitae), Labcorp and NIHR Bioresource Rare Diseases, University of Cambridge); PubMed 17576681 (cited by Labcorp Genetics (formerly Invitae), Labcorp); PubMed 9536098 (cited by Labcorp Genetics (formerly Invitae), Labcorp).

NM_001252024.2(TRPM1):c.618+3_618+6del

Gene: TRPM1 (transient receptor potential cation channel subfamily M member 1; minus strand). Cytogenetic location: 15q13.3.
Variant type: Deletion.
Coding change: c.618+3_618+6del on transcript NM_001252024.2 (MANE Select); bases 3 to 6 of the intron after coding-DNA position 618, 4 bases deleted (AAGT; older notation c.618+3_618+6delAAGT).
Molecular consequence: splice donor variant.
Genome position (GRCh38, 1-based): chr15:31,067,057-31,067,060, ACTT deleted on the plus strand (AAGT on the coding strand, the reverse complement: TRPM1 is on the minus strand); deleting any 4 consecutive bases within chr15:31,067,057-31,067,062 gives the same sequence; the c. name uses the placement nearest the transcript's 3' end. VCF-style (leftmost placement, unchanged base first): chr15-31067056-CACTT-C. GRCh37 (hg19) VCF-style: chr15-31359259-CACTT-C.
Other names: c.669+3_669+6delAAGT (NM_001252020.1); c.669+3_669+6del (NM_001252020.2); c.552+3_552+6del (NM_002420.6).
Identifiers: ClinVar variation 438221 (VCV000438221.11), dbSNP rs781610444, ClinGen allele CA7452893.